The following is an entry in ClinVar:

NM_000222.3(KIT):c.2802T>G (p.His934Gln)

Gene: KIT (KIT proto-oncogene, receptor tyrosine kinase; plus strand). Cytogenetic location: 4q12.
Variant type: single nucleotide variant.
Coding change: c.2802T>G on transcript NM_000222.3 (MANE Select); coding-DNA position 2802, T replaced by G.
Protein change: p.His934Gln; replaces histidine 934 with glutamine.
Molecular consequence: missense variant.
Genome position (GRCh38, 1-based): chr4:54,737,280, T>G. VCF-style: chr4-54737280-T-G. GRCh37 (hg19) VCF-style: chr4-55603446-T-G.
Other names: c.2790T>G, p.His930Gln (NM_001093772.2, NM_001385292.1); c.2805T>G, p.His935Gln (NM_001385284.1); c.2799T>G, p.His933Gln (NM_001385285.1); c.2787T>G, p.His929Gln (NM_001385286.1); c.2793T>G, p.His931Gln (NM_001385288.1); c.2802T>G, p.His934Gln (NM_001385290.1); short protein forms H934Q, H930Q, H929Q, H931Q, H933Q, H935Q.
Identifiers: ClinVar variation 409731 (VCV000409731.12), dbSNP rs764592751, ClinGen allele CA16611576.

ClinVar aggregate classification (germline): Conflicting classifications of pathogenicity. Review status: criteria provided, conflicting classifications (1 of 4 stars). 3 submissions from 3 submitters: Uncertain significance (2); Likely benign (1). Last evaluated 2025-11-21.

Conditions:
Hereditary cancer-predisposing syndrome. Also called: Neoplastic Syndromes, Hereditary; Hereditary Cancer Syndrome; Hereditary neoplastic syndrome; Tumor predisposition. Identifiers: Orphanet 140162, MedGen C0027672, MeSH D009386, MONDO:0015356.
Gastrointestinal stromal tumor. Also called: Gastrointestinal stroma tumor; Gastrointestinal stromal tumor, somatic. Identifiers: Orphanet 44890, MedGen C0238198, MeSH D046152, MONDO:0011719, OMIM 606764, HP:0100723.

gnomAD v4.1: 1 of 1,592,376 alleles (0.000063%); highest among the groups gnomAD compares: Non-Finnish European, 0.000086%; no homozygotes.

Submissions (3):

Dasa
Classification: Uncertain significance. Last evaluated: 2025-11-21. Review status: criteria provided, single submitter. Criteria: DASA Assertion Criteria. Collection method: clinical testing. Allele origin: germline.
Comment: NM_000222.3(KIT):c.2802T>G (p.His934Gln) is a missense variant that results in the substitution of histidine with glutamine. This variant is rare in population databases. Computational prediction algorithms are consistent with a benign effect. The currently available literature and clinical evidence are not sufficient to establish a definitive association between this variant and the reported condition. Therefore, this variant is classified as a variant of uncertain significance.

Ambry Genetics
Classification: Likely benign for Hereditary cancer-predisposing syndrome. Last evaluated: 2025-07-23. Review status: criteria provided, single submitter. Criteria: Ambry Variant Classification Scheme 2023. Collection method: clinical testing. Allele origin: germline.

Labcorp Genetics (formerly Invitae), Labcorp
Classification: Uncertain significance for Gastrointestinal stromal tumor. Last evaluated: 2024-04-08. Review status: criteria provided, single submitter. Criteria: Invitae Variant Classification Sherloc (09022015). Collection method: clinical testing. Allele origin: germline.
Comment: This sequence change replaces histidine, which is basic and polar, with glutamine, which is neutral and polar, at codon 934 of the KIT protein (p.His934Gln). This variant is not present in population databases (gnomAD no frequency). This variant has not been reported in the literature in individuals affected with KIT-related conditions. ClinVar contains an entry for this variant (Variation ID: 409731). An algorithm developed to predict the effect of missense changes on protein structure and function (PolyPhen-2) suggests that this variant is likely to be tolerated. In summary, the available evidence is currently insufficient to determine the role of this variant in disease. Therefore, it has been classified as a Variant of Uncertain Significance.